The following is an entry in ClinVar:

ClinVar aggregate classification (germline): Conflicting classifications of pathogenicity. Review status: criteria provided, conflicting classifications (1 of 4 stars). 4 submissions from 4 submitters: Uncertain significance (3); Likely benign (1). Last evaluated 2024-09-20.

Conditions:
Dilated cardiomyopathy 1G (CMD1G). Identifiers: Orphanet 154, MedGen C1858763, MONDO:0011400, OMIM 604145.
Autosomal recessive limb-girdle muscular dystrophy type 2J (LGMDR10). Also called: Limb-girdle muscular dystrophy, type 2J; MUSCULAR DYSTROPHY, LIMB-GIRDLE, AUTOSOMAL RECESSIVE 10. Identifiers: Orphanet 140922, MedGen C1837342, MONDO:0012127, OMIM 608807.

Allele frequency attached by ClinVar (database versions not stated): ExAC 0.00003; gnomAD 0.00003; TOPMed 0.00003; gnomAD exomes 0.00004 and 0.00007.
gnomAD v4.1: 96 of 1,591,890 alleles (0.006%); highest among the groups gnomAD compares: East Asian, 0.013%; no homozygotes.

Submissions (4):

Revvity Omics, Revvity
Classification: Uncertain significance. Last evaluated: 2024-09-20. Review status: criteria provided, single submitter. Criteria: ACMG Guidelines, 2015. Collection method: clinical testing. Allele origin: germline.

GeneDx
Classification: Likely benign. Last evaluated: 2020-11-23. Review status: criteria provided, single submitter. Criteria: GeneDx Variant Classification Process June 2021. Collection method: clinical testing. Allele origin: germline. Affected: yes.

Labcorp Genetics (formerly Invitae), Labcorp
Classification: Uncertain significance for Dilated cardiomyopathy 1G; Autosomal recessive limb-girdle muscular dystrophy type 2J. Last evaluated: 2017-12-18. Review status: criteria provided, single submitter. Criteria: Invitae Variant Classification Sherloc (09022015). Collection method: clinical testing. Allele origin: germline.

Laboratory for Molecular Medicine, Mass General Brigham Personalized Medicine
Classification: Uncertain significance. Last evaluated: 2011-10-06. Review status: criteria provided, single submitter. Criteria: LMM Criteria. Collection method: clinical testing. Allele origin: germline. Observed: 1 variant allele.
Comment: The Asp5411Asn variant (TTN) has not been previously reported or previously iden tified by our laboratory. Aspartic acid (Asp) at position 5411 is conserved in m ammals, chicken, and fish, indicating that a change may not be tolerated. Howeve r, two computational models (AlignGVGD and SIFT) predict this variant to be beni gn (their accuracy is unknown). In summary, additional data is needed to determi ne the clinical significance of this variant.

NM_001267550.2(TTN):c.19963G>A (p.Asp6655Asn)

Genes: TTN (titin; minus strand), LOC126806429 (BRD4-independent group 4 enhancer GRCh37_chr2:179591393-179592592; plus strand). Cytogenetic location: 2q31.2.
Variant type: single nucleotide variant.
Coding change: c.19963G>A on transcript NM_001267550.2 (MANE Select); coding-DNA position 19963, G replaced by A.
Protein change: p.Asp6655Asn; replaces aspartic acid 6655 with asparagine.
Molecular consequence: missense variant. On other transcripts: intron variant (3).
Genome position (GRCh38, 1-based): chr2:178,727,615, C>T on the plus strand (G>A on the coding strand, the complement: TTN is on the minus strand). VCF-style: chr2-178727615-C-T. GRCh37 (hg19) VCF-style: chr2-179592342-C-T.
Other names: p.D6338N:GAC>AAC; c.19012G>A, p.Asp6338Asn (NM_001256850.1); c.16231G>A, p.Asp5411Asn (NM_133378.4); c.13282+10467G>A (NM_003319.4); c.13858+10467G>A (NM_133437.4); c.13657+10467G>A (NM_133432.3); short protein forms D6655N, D5411N, D6338N.
Identifiers: ClinVar variation 46663 (VCV000046663.11), dbSNP rs397517493, ClinGen allele CA138890.